The following is an entry in ClinVar:

NM_003400.4(XPO1):c.3124del (p.Leu1042fs)

Genes: USP34-DT (USP34 divergent transcript; plus strand), XPO1 (exportin 1; minus strand). Cytogenetic location: 2p15.
Variant type: Deletion.
Coding change: c.3124del on transcript NM_003400.4 (MANE Select); coding-DNA position 3124, one base deleted (C; older notation c.3124delC).
Protein change: p.Leu1042fs; shifts the reading frame from leucine 1042.
Molecular consequence: frameshift variant.
Genome position (GRCh38, 1-based): chr2:61,478,912, G deleted on the plus strand (C on the coding strand, the reverse complement: XPO1 is on the minus strand); the first of 3 consecutive G bases (chr2:61,478,912-61,478,914); deleting any one gives the same sequence. VCF-style (leftmost placement, unchanged base first): chr2-61478911-AG-A. GRCh37 (hg19) VCF-style: chr2-61706046-AG-A.
Other names: c.2989del, p.Leu997fs (NM_001410799.1); short protein forms L1042fs, L997fs.
Identifiers: ClinVar variation 4076639 (VCV004076639.1).

ClinVar aggregate classification (germline): Uncertain significance (1 of 4 stars; one submission).

Submission:

GeneDx
Classification: Uncertain significance. Last evaluated: 2024-03-04. Review status: criteria provided, single submitter. Criteria: GeneDx Variant Classification Process June 2021. Collection method: clinical testing. Allele origin: germline. Affected: yes.
Comment: Not observed at significant frequency in large population cohorts (gnomAD); Frameshift variant predicted to result in abnormal protein length as the last 30 amino acids are replaced with 61 different amino acids in a gene for which loss-of-function is not an established mechanism of disease; Has not been previously published as pathogenic or benign to our knowledge; Variants in candidate genes are classified as variants of uncertain significance in accordance with ACMG guidelines (PMID: 25741868)